The following is an entry in ClinVar:

NC_000006.11:g.(135754395_135759512)_(135759637_135763719)del

Gene: AHI1 (Abelson helper integration site 1; minus strand). Cytogenetic location: 6q23.3.
Variant type: Deletion.
Identifiers: ClinVar variation 1878397 (VCV001878397.1).

ClinVar aggregate classification (germline): Likely pathogenic (1 of 4 stars; one submission).

Conditions:
Joubert syndrome and related disorders. Identifiers: Orphanet 140874, MedGen C5679612, MONDO:0015369.

Submission:

Women's Health and Genetics/Laboratory Corporation of America, LabCorp
Classification: Likely pathogenic for Joubert syndrome and related disorders. Last evaluated: 2022-12-28. Review status: criteria provided, single submitter. Criteria: LabCorp Variant Classification Summary - May 2015. Collection method: clinical testing. Allele origin: germline.
Comment: Variant summary: The variant identified by MLPA or other technology involves the deletion of exon 14 in the AHI1 gene. A presumed nomenclature of c.(1912+1_1913-1)_(2036+1_2037-1)del has been designated for the purposes of this classification. Although exact breakpoints of this deletion are not known, it is expected to result in a frameshift in the AHI1 gene, a known mechanism of disease. The variant was absent in 21694 control chromosomes. c.(1912+1_1913-1)_(2036+1_2037-1)del has been reported in the literature in at least one individual affected with retinal disease. To our knowledge, no experimental evidence demonstrating an impact on protein function has been reported. One clinical diagnostic laboratory has submitted clinical-significance assessments for this variant to ClinVar after 2014 without evidence for independent evaluation and classified the variant as likely pathogenic. Based on the evidence outlined above, the variant was classified as likely pathogenic.

Literature cited by the submitters: PubMed 28041643.